The following is an entry in ClinVar:

NM_001903.5(CTNNA1):c.1633A>C (p.Ile545Leu)

Gene: CTNNA1 (catenin alpha 1; plus strand). Cytogenetic location: 5q31.2.
Variant type: single nucleotide variant.
Coding change: c.1633A>C on transcript NM_001903.5 (MANE Select); coding-DNA position 1633, A replaced by C.
Protein change: p.Ile545Leu; replaces isoleucine 545 with leucine.
Molecular consequence: missense variant.
Genome position (GRCh38, 1-based): chr5:138,924,596, A>C. VCF-style: chr5-138924596-A-C. GRCh37 (hg19) VCF-style: chr5-138260285-A-C.
Other names: c.1633A>C, p.Ile545Leu (NM_001290307.3, NM_001323982.2, NM_001323983.1 and 2 more transcripts); c.1324A>C, p.Ile442Leu (NM_001290309.3); c.1264A>C, p.Ile422Leu (NM_001290310.3); c.523A>C, p.Ile175Leu (NM_001290312.1, NM_001323987.1, NM_001323988.1 and 17 more transcripts); c.1540A>C, p.Ile514Leu (NM_001323986.2); c.184A>C, p.Ile62Leu (NM_001324006.1, NM_001324007.1, NM_001324008.1 and 2 more transcripts); c.430A>C, p.Ile144Leu (NM_001324011.1); c.280A>C, p.Ile94Leu (NM_001324012.1, NM_001324013.1); short protein forms I94L, I175L, I514L, I144L, I545L, I422L, I442L, I62L.
Identifiers: ClinVar variation 1389881 (VCV001389881.10), dbSNP rs1060502220, ClinGen allele CA361131864.

ClinVar aggregate classification (germline): Uncertain significance. Review status: criteria provided, multiple submitters, no conflicts (2 of 4 stars). 2 submissions from 2 submitters: Uncertain significance (2). Last evaluated 2021-10-18.

Conditions:
Hereditary cancer-predisposing syndrome. Also called: Neoplastic Syndromes, Hereditary; Tumor predisposition; Hereditary neoplastic syndrome; Hereditary Cancer Syndrome. Identifiers: Orphanet 140162, MedGen C0027672, MeSH D009386, MONDO:0015356.

Submissions (2):

Ambry Genetics
Classification: Uncertain significance for Hereditary cancer-predisposing syndrome. Last evaluated: 2021-10-18. Review status: criteria provided, single submitter. Criteria: Ambry Variant Classification Scheme 2023. Collection method: clinical testing. Allele origin: germline.
Comment: The p.I545L variant (also known as c.1633A>C), located in coding exon 11 of the CTNNA1 gene, results from an A to C substitution at nucleotide position 1633. The isoleucine at codon 545 is replaced by leucine, an amino acid with highly similar properties. This amino acid position is conserved. In addition, the in silico prediction for this alteration is inconclusive. Since supporting evidence is limited at this time, the clinical significance of this alteration remains unclear.

Labcorp Genetics (formerly Invitae), Labcorp
Classification: Uncertain significance. Last evaluated: 2021-04-23. Review status: criteria provided, single submitter. Criteria: Invitae Variant Classification Sherloc (09022015). Collection method: clinical testing. Allele origin: germline.
Comment: This variant is not present in population databases (ExAC no frequency). This variant has not been reported in the literature in individuals with CTNNA1-related conditions. Algorithms developed to predict the effect of missense changes on protein structure and function are either unavailable or do not agree on the potential impact of this missense change (SIFT: "Deleterious"; PolyPhen-2: "Probably Damaging"; Align-GVGD: "Class C0"). In summary, the available evidence is currently insufficient to determine the role of this variant in disease. Therefore, it has been classified as a Variant of Uncertain Significance. This sequence change replaces isoleucine with leucine at codon 545 of the CTNNA1 protein (p.Ile545Leu). The isoleucine residue is highly conserved and there is a small physicochemical difference between isoleucine and leucine.